The following is an entry in ClinVar:

NM_000268.4(NF2):c.515G>C (p.Arg172Thr)

Gene: NF2 (NF2, moesin-ezrin-radixin like (MERLIN) tumor suppressor; plus strand). Cytogenetic location: 22q12.2.
Variant type: single nucleotide variant.
Coding change: c.515G>C on transcript NM_000268.4 (MANE Select); coding-DNA position 515, G replaced by C.
Protein change: p.Arg172Thr; replaces arginine 172 with threonine.
Molecular consequence: missense variant. On other transcripts: 5 prime UTR variant (1), intron variant (1).
Genome position (GRCh38, 1-based): chr22:29,654,724, G>C. VCF-style: chr22-29654724-G-C. GRCh37 (hg19) VCF-style: chr22-30050713-G-C.
Other names: c.401G>C, p.Arg134Thr (NM_001407053.1, NM_001407056.1); c.392G>C, p.Arg131Thr (NM_001407054.1, NM_001407058.1, NM_001407062.1 and 1 more transcripts); c.389G>C, p.Arg130Thr (NM_001407055.1, NM_181828.3); c.515G>C, p.Arg172Thr (NM_001407057.1, NM_001407059.1, NM_001407060.1 and 4 more transcripts); c.266G>C, p.Arg89Thr (NM_001407063.1, NM_001407064.1, NM_181830.3 and 1 more transcripts); c.-126G>C (NM_001407065.1); c.284G>C, p.Arg95Thr (NM_001407067.1); c.447+12439G>C (NM_181833.3); short protein forms R131T, R130T, R89T, R95T, R134T, R172T.
Identifiers: ClinVar variation 3299408 (VCV003299408.1).

ClinVar aggregate classification (germline): Uncertain significance (1 of 4 stars; one submission).

Conditions:
Hereditary cancer-predisposing syndrome. Also called: Tumor predisposition; Hereditary Cancer Syndrome; Hereditary neoplastic syndrome; Neoplastic Syndromes, Hereditary. Identifiers: Orphanet 140162, MedGen C0027672, MeSH D009386, MONDO:0015356.

Submission:

Ambry Genetics
Classification: Uncertain significance for Hereditary cancer-predisposing syndrome. Last evaluated: 2024-03-17. Review status: criteria provided, single submitter. Criteria: Ambry Variant Classification Scheme 2023. Collection method: clinical testing. Allele origin: germline.
Comment: The p.R172T variant (also known as c.515G>C), located in coding exon 5 of the NF2 gene, results from a G to C substitution at nucleotide position 515. The arginine at codon 172 is replaced by threonine, an amino acid with similar properties. This amino acid position is conserved. In addition, this alteration is predicted to be deleterious by in silico analysis. Based on the available evidence, the clinical significance of this alteration remains unclear.